The following is an entry in ClinVar:

NM_001377.3(DYNC2H1):c.9011G>A (p.Arg3004His)

Gene: DYNC2H1 (dynein cytoplasmic 2 heavy chain 1; plus strand). Cytogenetic location: 11q22.3.
Variant type: single nucleotide variant.
Coding change: c.9011G>A on transcript NM_001377.3 (MANE Select); coding-DNA position 9011, G replaced by A.
Protein change: p.Arg3004His; replaces arginine 3004 with histidine.
Molecular consequence: missense variant.
Genome position (GRCh38, 1-based): chr11:103,220,687, G>A. VCF-style: chr11-103220687-G-A. GRCh37 (hg19) VCF-style: chr11-103091416-G-A.
Other names: c.9011G>A, p.Arg3004His (NM_001080463.2); short protein forms R3004H.
Identifiers: ClinVar variation 993843 (VCV000993843.17), dbSNP rs755871858, ClinGen allele CA6254587.
Genomic context (GRCh38, chr11:103,220,687, plus strand): 5'-TAGTCAATGAAGCTAAACTAGCAGTTGGAAACATTAAGCCCGAATCACTTTCAGAAATTC[G>A]CTCACTACGCATGCCACCTGATGTAATTAGAGATATTCTTGAAGGAGTTTTAAGGTTGAT-3'
Protein context (NP_001368.2, residues 2994-3014): NIKPESLSEI[Arg3004His]SLRMPPDVIR

ClinVar aggregate classification (germline): Conflicting classifications of pathogenicity. Review status: criteria provided, conflicting classifications (1 of 4 stars). 5 submissions from 5 submitters: Likely pathogenic (1); Uncertain significance (4). Last evaluated 2026-01-14.

Conditions:
Asphyxiating thoracic dystrophy 3. Also called: Saldino-Noonan Syndrome; Short rib polydactyly syndrome 2B; SHORT-RIB THORACIC DYSPLASIA 3 WITH OR WITHOUT POLYDACTYLY; POLYDACTYLY WITH NEONATAL CHONDRODYSTROPHY, TYPE I; SHORT-RIB THORACIC DYSPLASIA 3/6 WITH POLYDACTYLY, DIGENIC. Identifiers: Orphanet 474, Orphanet 93269, Orphanet 93270, Orphanet 93271, MedGen C0036069, MONDO:0013127, OMIM 613091.
Inborn genetic diseases. Identifiers: MedGen C0950123, MeSH D030342.
Jeune thoracic dystrophy. Also called: Jeune syndrome; Infantile thoracic dystrophy; Thoracic pelvic phalangeal dystrophy; Jeune's syndrome; Chondroectodermal dysplasia-like syndrome; Short-rib thoracic dysplasia. Identifiers: Orphanet 474, MedGen C0265275, MONDO:0018770.

Allele frequency attached by ClinVar (database versions not stated): ExAC 0.00001; TOPMed 0.00002; gnomAD 0.00004.
gnomAD v4.1: 55 of 1,612,260 alleles (0.0034%); highest among the groups gnomAD compares: Non-Finnish European, 0.0045%; no homozygotes.

Submissions (5):

Labcorp Genetics (formerly Invitae), Labcorp
Classification: Likely pathogenic for Jeune thoracic dystrophy. Last evaluated: 2026-01-14. Review status: criteria provided, single submitter. Criteria: Invitae Variant Classification Sherloc (09022015). Collection method: clinical testing. Allele origin: germline.
Comment: This sequence change replaces arginine, which is basic and polar, with histidine, which is basic and polar, at codon 3004 of the DYNC2H1 protein (p.Arg3004His). This variant is present in population databases (rs755871858, gnomAD 0.002%). This variant has not been reported in the literature in individuals affected with DYNC2H1-related conditions. ClinVar contains an entry for this variant (Variation ID: 993843). Invitae Evidence Modeling of protein sequence and biophysical properties (such as structural, functional, and spatial information, amino acid conservation, physicochemical variation, residue mobility, and thermodynamic stability) indicates that this missense variant is expected to disrupt DYNC2H1 protein function with a positive predictive value of 95%. This variant disrupts the p.Arg3004 amino acid residue in DYNC2H1. Other variant(s) that disrupt this residue have been determined to be pathogenic (PMID: 25410398, 35627109). This suggests that this residue is clinically significant, and that variants that disrupt this residue are likely to be disease-causing. In summary, the currently available evidence indicates that the variant is pathogenic, but additional data are needed to prove that conclusively. Therefore, this variant has been classified as Likely Pathogenic.

Women's Health and Genetics/Laboratory Corporation of America, LabCorp
Classification: Uncertain significance. Last evaluated: 2025-06-12. Review status: criteria provided, single submitter. Criteria: LabCorp Variant Classification Summary - May 2015. Collection method: clinical testing. Allele origin: germline.
Comment: Variant summary: DYNC2H1 c.9011G>A (p.Arg3004His) results in a non-conservative amino acid change located in the Dynein heavy chain, coiled coil stalk domain (IPR024743) of the encoded protein sequence. Algorithms developed to predict the effect of missense changes on protein structure and function all suggest that this variant is likely to be disruptive. The variant allele was found at a frequency of 8e-06 in 248460 control chromosomes. The available data on variant occurrences in the general population are insufficient to allow any conclusion about variant significance. To our knowledge, no occurrence of c.9011G>A in individuals affected with Short-rib thoracic dysplasia and no experimental evidence demonstrating its impact on protein function have been reported. ClinVar contains an entry for this variant (Variation ID: 993843). Based on the evidence outlined above, the variant was classified as uncertain significance.

Ambry Genetics
Classification: Uncertain significance for Inborn genetic diseases. Last evaluated: 2023-04-26. Review status: criteria provided, single submitter. Criteria: Ambry Variant Classification Scheme 2023. Collection method: clinical testing. Allele origin: germline.

GeneDx
Classification: Uncertain significance. Last evaluated: 2022-05-17. Review status: criteria provided, single submitter. Criteria: GeneDx Variant Classification Process June 2021. Collection method: clinical testing. Allele origin: germline. Affected: yes.
Comment: Not observed at significant frequency in large population cohorts (gnomAD); In silico analysis supports that this missense variant has a deleterious effect on protein structure/function; Has not been previously published as pathogenic or benign to our knowledge

ARUP Laboratories, Molecular Genetics and Genomics, ARUP Laboratories
Classification: Uncertain significance for Asphyxiating thoracic dystrophy 3. Last evaluated: 2019-12-19. Review status: criteria provided, single submitter. Criteria: ARUP Molecular Germline Variant Investigation Process. Collection method: clinical testing. Allele origin: germline.
Comment: The DYNC2H1 c.9011G>A; p.Arg3004His variant (rs755871858), to our knowledge, is not reported in the medical literature or gene specific databases. This variant is only observed on three alleles in the Genome Aggregation Database, indicating it is not a common polymorphism. The arginine at codon 3004 is highly conserved, and computational analyses (SIFT, PolyPhen-2) predict that this variant is deleterious. Additionally, another variant at this codon (c.9010C>T; p.Arg3004Cys) is reported in an individual with short-rib polydactyly syndrome type III who carried a second pathogenic DYNC2H1 variant (Okamoto 2015). However, given the lack of clinical and functional data, the significance of the p.Arg3004His variant is uncertain at this time. References: Okamoto T et al. Novel compound heterozygous mutations in DYNC2H1 in a patient with severe short-rib polydactyly syndrome type III phenotype. Congenit Anom (Kyoto). 2015 Aug;55(3):155-7.

Literature cited by the submitters: PubMed 25410398 (cited by Labcorp Genetics (formerly Invitae), Labcorp); PubMed 35627109 (cited by Labcorp Genetics (formerly Invitae), Labcorp).